The following is an entry in ClinVar:

ClinVar aggregate classification (germline): Likely benign. Review status: criteria provided, single submitter (1 of 4 stars). 2 submissions from 2 submitters: Likely benign (1). 1 of the submissions does not count toward it. Last evaluated 2024-11-13.

Conditions:
KIRREL1-related disorder. Also called: KIRREL1-related condition.

Allele frequency attached by ClinVar (database versions not stated): gnomAD exomes 0.00066; ExAC 0.00206; 1000 Genomes Project 30x 0.00422; 1000 Genomes Project 0.00479; gnomAD 0.00671; TOPMed 0.00753; ESP Exome Variant Server 0.00830.
gnomAD v4.1: 2,014 of 1,613,922 alleles (0.12%); highest among the groups gnomAD compares: African/African-American, 2.4%; 20 homozygotes.

Submissions (2):

Blueprint Genetics
Classification: Likely benign. Last evaluated: 2024-11-13. Review status: criteria provided, single submitter. Criteria: ACMG Guidelines, 2015. Collection method: clinical testing. Allele origin: germline.

PreventionGenetics, part of Exact Sciences
Classification: Benign for KIRREL1-related condition. Last evaluated: 2019-12-31. Review status: no assertion criteria provided. Collection method: clinical testing. Allele origin: germline. Not counted in ClinVar's aggregate classification.
Comment: This variant is classified as benign based on ACMG/AMP sequence variant interpretation guidelines (Richards et al. 2015 PMID: 25741868, with internal and published modifications).

NM_018240.7(KIRREL1):c.1269C>A (p.Arg423=)

Gene: KIRREL1 (kirre like nephrin family adhesion molecule 1; plus strand). Cytogenetic location: 1q23.1.
Variant type: single nucleotide variant.
Coding change: c.1269C>A on transcript NM_018240.7 (MANE Select); coding-DNA position 1269, C replaced by A.
Protein change: p.Arg423=; no amino-acid change (arginine 423 retained).
Molecular consequence: synonymous variant.
Genome position (GRCh38, 1-based): chr1:158,089,815, C>A. VCF-style: chr1-158089815-C-A. GRCh37 (hg19) VCF-style: chr1-158059605-C-A.
Other names: c.969C>A, p.Arg323= (NM_001286349.2).
Identifiers: ClinVar variation 3049720 (VCV003049720.3), dbSNP rs145693910, ClinGen allele CA1177620.
Genomic context (GRCh38, chr1:158,089,815, plus strand): 5'-TGTGAGGGGTGACGGTGGCAAGGTGGAGTGTTTCATTGGGAGCACACCACCCCCAGACCG[C>A]ATAGTGAGTGGCGGACCTGCCTGCGGACAGCCAGCCCTCCCTGCTTCTTTGCCCAGGCCC-3'
Protein context (NP_060710.3, residues 413-433): CFIGSTPPPD[Arg423=]IAWAWKENFL